The following is an entry in ClinVar:

NM_004341.5(CAD):c.5224C>G (p.Leu1742Val)

Gene: CAD (carbamoyl-phosphate synthetase 2, aspartate transcarbamylase, and dihydroorotase; plus strand). Cytogenetic location: 2p23.3.
Variant type: single nucleotide variant.
Coding change: c.5224C>G on transcript NM_004341.5 (MANE Select); coding-DNA position 5224, C replaced by G.
Protein change: p.Leu1742Val; replaces leucine 1742 with valine.
Molecular consequence: missense variant.
Genome position (GRCh38, 1-based): chr2:27,239,203, C>G. VCF-style: chr2-27239203-C-G. GRCh37 (hg19) VCF-style: chr2-27462071-C-G.
Other names: c.5035C>G, p.Leu1679Val (NM_001306079.2); short protein forms L1679V, L1742V.
Identifiers: ClinVar variation 1897184 (VCV001897184.2), dbSNP rs752246638, ClinGen allele CA1573780.

ClinVar aggregate classification (germline): Uncertain significance (1 of 4 stars; one submission).

Allele frequency attached by ClinVar (database versions not stated): ExAC 0.00001; gnomAD exomes 0.00002.
gnomAD v4.1: 37 of 1,608,660 alleles (0.0023%); highest among the groups gnomAD compares: Non-Finnish European, 0.0025%; no homozygotes.

Submission:

Labcorp Genetics (formerly Invitae), Labcorp
Classification: Uncertain significance. Last evaluated: 2022-02-10. Review status: criteria provided, single submitter. Criteria: Invitae Variant Classification Sherloc (09022015). Collection method: clinical testing. Allele origin: germline.
Comment: This sequence change replaces leucine, which is neutral and non-polar, with valine, which is neutral and non-polar, at codon 1742 of the CAD protein (p.Leu1742Val). This variant is present in population databases (rs752246638, gnomAD 0.002%). This variant has not been reported in the literature in individuals affected with CAD-related conditions. Algorithms developed to predict the effect of missense changes on protein structure and function are either unavailable or do not agree on the potential impact of this missense change (SIFT: "Deleterious"; PolyPhen-2: "Possibly Damaging"; Align-GVGD: "Class C15"). In summary, the available evidence is currently insufficient to determine the role of this variant in disease. Therefore, it has been classified as a Variant of Uncertain Significance.